The following is an entry in ClinVar:

ClinVar aggregate classification (germline): Uncertain significance. Review status: criteria provided, multiple submitters, no conflicts (2 of 4 stars). 2 submissions from 2 submitters: Uncertain significance (2). Last evaluated 2025-02-28.

Allele frequency attached by ClinVar (database versions not stated): TOPMed 0.00002; ExAC 0.00005.
gnomAD v4.1: 24 of 1,606,100 alleles (0.0015%); highest among the groups gnomAD compares: Admixed American, 0.04%; no homozygotes.

Submissions (2):

Labcorp Genetics (formerly Invitae), Labcorp
Classification: Uncertain significance. Last evaluated: 2025-02-28. Review status: criteria provided, single submitter. Criteria: Invitae Variant Classification Sherloc (09022015). Collection method: clinical testing. Allele origin: germline.
Comment: This sequence change replaces alanine, which is neutral and non-polar, with valine, which is neutral and non-polar, at codon 182 of the KANK2 protein (p.Ala182Val). This variant is present in population databases (rs753055542, gnomAD 0.05%). This variant has not been reported in the literature in individuals affected with KANK2-related conditions. ClinVar contains an entry for this variant (Variation ID: 2142711). An algorithm developed to predict the effect of missense changes on protein structure and function (PolyPhen-2) suggests that this variant is likely to be disruptive. In summary, the available evidence is currently insufficient to determine the role of this variant in disease. Therefore, it has been classified as a Variant of Uncertain Significance.

Ambry Genetics
Classification: Uncertain significance. Last evaluated: 2021-12-17. Review status: criteria provided, single submitter. Criteria: Ambry Variant Classification Scheme 2023. Collection method: clinical testing. Allele origin: germline.

NM_001136191.3(KANK2):c.545C>T (p.Ala182Val)

Gene: KANK2 (KN motif and ankyrin repeat domains 2; minus strand). Cytogenetic location: 19p13.2.
Variant type: single nucleotide variant.
Coding change: c.545C>T on transcript NM_001136191.3 (MANE Select); coding-DNA position 545, C replaced by T.
Protein change: p.Ala182Val; replaces alanine 182 with valine.
Molecular consequence: missense variant.
Genome position (GRCh38, 1-based): chr19:11,193,535, G>A on the plus strand (C>T on the coding strand, the complement: KANK2 is on the minus strand). VCF-style: chr19-11193535-G-A. GRCh37 (hg19) VCF-style: chr19-11304211-G-A.
Other names: c.545C>T, p.Ala182Val (NM_001329451.2, NM_001379548.1, NM_001379549.1 and 15 more transcripts); short protein forms A182V.
Identifiers: ClinVar variation 2142711 (VCV002142711.5), dbSNP rs753055542, ClinGen allele CA9206031.